The following is an entry in ClinVar:

ClinVar aggregate classification (germline): Benign/Likely benign. Review status: criteria provided, multiple submitters, no conflicts (2 of 4 stars). 3 submissions from 3 submitters: Benign (1); Likely benign (2). Last evaluated 2026-02-06.

Conditions:
KMT2D-related disorder. Also called: KMT2D-Related Disorders.
Inborn genetic diseases. Identifiers: MedGen C0950123, MeSH D030342.
Kabuki syndrome. Also called: Kabuki make-up syndrome; NIIKAWA-KUROKI SYNDROME. Identifiers: Orphanet 2322, MedGen C0796004, MONDO:0016512.

Allele frequency attached by ClinVar (database versions not stated): gnomAD exomes 0.00001; gnomAD 0.00006 and 0.00007; TOPMed 0.00017.
gnomAD v4.1: 16 of 1,575,226 alleles (0.001%); highest among the groups gnomAD compares: Admixed American, 0.022%; no homozygotes.

Submissions (3):

PreventionGenetics, part of Exact Sciences
Classification: Likely benign for KMT2D-related condition. Last evaluated: 2026-02-06. Review status: criteria provided, single submitter. Criteria: ACMG Guidelines, 2015. Collection method: clinical testing. Allele origin: germline.
Comment: This variant is classified as likely benign based on ACMG/AMP sequence variant interpretation guidelines (Richards et al. 2015 PMID: 25741868, with internal and published modifications).

Labcorp Genetics (formerly Invitae), Labcorp
Classification: Benign for Kabuki syndrome. Last evaluated: 2026-01-29. Review status: criteria provided, single submitter. Criteria: Invitae Variant Classification Sherloc (09022015). Collection method: clinical testing. Allele origin: germline.

Ambry Genetics
Classification: Likely benign for Inborn genetic diseases. Last evaluated: 2023-10-31. Review status: criteria provided, single submitter. Criteria: Ambry Variant Classification Scheme 2023. Collection method: clinical testing. Allele origin: germline.

NM_003482.4(KMT2D):c.9709G>A (p.Glu3237Lys)

Gene: KMT2D (lysine methyltransferase 2D; minus strand). Cytogenetic location: 12q13.12.
Variant type: single nucleotide variant.
Coding change: c.9709G>A on transcript NM_003482.4 (MANE Select); coding-DNA position 9709, G replaced by A.
Protein change: p.Glu3237Lys; replaces glutamic acid 3237 with lysine.
Molecular consequence: missense variant.
Genome position (GRCh38, 1-based): chr12:49,037,647, C>T on the plus strand (G>A on the coding strand, the complement: KMT2D is on the minus strand). VCF-style: chr12-49037647-C-T. GRCh37 (hg19) VCF-style: chr12-49431430-C-T.
Other names: short protein forms E3237K.
Identifiers: ClinVar variation 1404202 (VCV001404202.10), dbSNP rs886049479, ClinGen allele CA10637637.